The following is an entry in ClinVar:

NM_001190274.2(FBXO11):c.1562A>T (p.Tyr521Phe)

Gene: FBXO11 (F-box protein 11; minus strand). Cytogenetic location: 2p16.3.
Variant type: single nucleotide variant.
Coding change: c.1562A>T on transcript NM_001190274.2 (MANE Select); coding-DNA position 1562, A replaced by T.
Protein change: p.Tyr521Phe; replaces tyrosine 521 with phenylalanine.
Molecular consequence: missense variant.
Genome position (GRCh38, 1-based): chr2:47,823,197, T>A on the plus strand (A>T on the coding strand, the complement: FBXO11 is on the minus strand). VCF-style: chr2-47823197-T-A. GRCh37 (hg19) VCF-style: chr2-48050336-T-A.
Other names: c.1310A>T, p.Tyr437Phe (NM_001374325.1, NM_025133.4); short protein forms Y437F, Y521F.
Identifiers: ClinVar variation 2077326 (VCV002077326.4), dbSNP rs1036617466, ClinGen allele CA46734768.

ClinVar aggregate classification (germline): Uncertain significance (1 of 4 stars; one submission).

Allele frequency attached by ClinVar (database versions not stated): TOPMed below 0.00001; gnomAD 0.00001.
gnomAD v4.1: 12 of 1,614,002 alleles (0.00074%); highest among the groups gnomAD compares: Non-Finnish European, 0.001%; no homozygotes.

Submission:

Labcorp Genetics (formerly Invitae), Labcorp
Classification: Uncertain significance. Last evaluated: 2022-07-20. Review status: criteria provided, single submitter. Criteria: Invitae Variant Classification Sherloc (09022015). Collection method: clinical testing. Allele origin: germline.
Comment: This sequence change replaces tyrosine, which is neutral and polar, with phenylalanine, which is neutral and non-polar, at codon 521 of the FBXO11 protein (p.Tyr521Phe). This variant is not present in population databases (gnomAD no frequency). In summary, the available evidence is currently insufficient to determine the role of this variant in disease. Therefore, it has been classified as a Variant of Uncertain Significance. Algorithms developed to predict the effect of missense changes on protein structure and function are either unavailable or do not agree on the potential impact of this missense change (SIFT: "Tolerated"; PolyPhen-2: "Possibly Damaging"; Align-GVGD: "Class C0"). This variant has not been reported in the literature in individuals affected with FBXO11-related conditions.